The following is an entry in ClinVar:

NM_018706.7(DHTKD1):c.2374A>T (p.Ile792Phe)

Gene: DHTKD1 (dehydrogenase E1 and transketolase domain containing 1; plus strand). Cytogenetic location: 10p14.
Variant type: single nucleotide variant.
Coding change: c.2374A>T on transcript NM_018706.7 (MANE Select); coding-DNA position 2374, A replaced by T.
Protein change: p.Ile792Phe; replaces isoleucine 792 with phenylalanine.
Molecular consequence: missense variant.
Genome position (GRCh38, 1-based): chr10:12,117,727, A>T. VCF-style: chr10-12117727-A-T. GRCh37 (hg19) VCF-style: chr10-12159726-A-T.
Other names: short protein forms I792F.
Identifiers: ClinVar variation 2830767 (VCV002830767.3), dbSNP rs769789126, ClinGen allele CA376015065.
Genomic context (GRCh38, chr10:12,117,727, plus strand): 5'-TCGTAGGCAGCCGTGTCAACTCTTCAAGAAATGGCACCAGGAACAACATTTAACCCGGTC[A>T]TTGGTGATTCATCTGTGGATCCAAAAAAGTAAGATATGTATCTCTGTTTTCATATTCTGT-3'
Protein context (NP_061176.4, residues 782-802): MAPGTTFNPV[Ile792Phe]GDSSVDPKKV

ClinVar aggregate classification (germline): Uncertain significance (1 of 4 stars; one submission).

Conditions:
2-aminoadipic 2-oxoadipic aciduria (AAKAD). Also called: ALPHA-AMINOADIPIC AND ALPHA-KETOADIPIC ACIDURIA; Aminoadipic aciduria. Identifiers: Orphanet 79154, MedGen C1859817, MONDO:0008774, OMIM 204750.

Submission:

Labcorp Genetics (formerly Invitae), Labcorp
Classification: Uncertain significance for 2-aminoadipic 2-oxoadipic aciduria. Last evaluated: 2023-01-21. Review status: criteria provided, single submitter. Criteria: Invitae Variant Classification Sherloc (09022015). Collection method: clinical testing. Allele origin: germline.
Comment: This sequence change replaces isoleucine, which is neutral and non-polar, with phenylalanine, which is neutral and non-polar, at codon 792 of the DHTKD1 protein (p.Ile792Phe). In summary, the available evidence is currently insufficient to determine the role of this variant in disease. Therefore, it has been classified as a Variant of Uncertain Significance. Advanced modeling of protein sequence and biophysical properties (such as structural, functional, and spatial information, amino acid conservation, physicochemical variation, residue mobility, and thermodynamic stability) performed at Invitae indicates that this missense variant is not expected to disrupt DHTKD1 protein function. This variant has not been reported in the literature in individuals affected with DHTKD1-related conditions. This variant is not present in population databases (gnomAD no frequency).